The following is an entry in ClinVar:

NM_001379110.1(SLC9A6):c.565_583del (p.Gly189fs)

Gene: SLC9A6 (solute carrier family 9 member A6; plus strand). Cytogenetic location: Xq26.3.
Variant type: Deletion.
Coding change: c.565_583del on transcript NM_001379110.1 (MANE Select); coding-DNA positions 565 to 583, 19 bases deleted (GGACAACTTGCAGGAGATT).
Protein change: p.Gly189fs; shifts the reading frame from glycine 189.
Molecular consequence: frameshift variant.
Genome position (GRCh38, 1-based): chrX:135,998,896-135,998,914, GGACAACTTGCAGGAGATT deleted. VCF-style (leftmost placement, unchanged base first): chrX-135998895-GGGACAACTTGCAGGAGATT-G. GRCh37 (hg19) VCF-style: chrX-135081054-GGGACAACTTGCAGGAGATT-G.
Other names: c.721_739del, p.Gly241fs (NM_001042537.2); c.565_583del, p.Gly189fs (NM_001177651.2, NM_001400909.1, NM_001400910.1 and 2 more transcripts); c.469_487del, p.Gly157fs (NM_001330652.2, NM_001400913.1); c.625_643del, p.Gly209fs (NM_006359.3); short protein forms G157fs, G189fs, G209fs, G241fs.
Identifiers: ClinVar variation 3347299 (VCV003347299.1).

ClinVar aggregate classification (germline): Likely pathogenic (0 of 4 stars; one submission).

Conditions:
SLC9A6-related disorder. Also called: SLC9A6-related condition.

Submission:

PreventionGenetics, part of Exact Sciences
Classification: Likely pathogenic for SLC9A6-related condition. Last evaluated: 2024-09-09. Review status: no assertion criteria provided. Collection method: clinical testing. Allele origin: germline.
Comment: The SLC9A6 c.625_643del19 variant is predicted to result in a frameshift and premature protein termination (p.Gly209Phefs*19). To our knowledge, this variant has not been reported in the literature or in a large population database, indicating this variant is rare. Frameshift variants in SLC9A6 are expected to be pathogenic. This variant is interpreted as likely pathogenic.